The following is an entry in ClinVar:

ClinVar aggregate classification (germline): Uncertain significance (1 of 4 stars; one submission).

Conditions:
Hereditary cancer-predisposing syndrome. Also called: Neoplastic Syndromes, Hereditary; Tumor predisposition; Hereditary neoplastic syndrome; Hereditary Cancer Syndrome. Identifiers: Orphanet 140162, MedGen C0027672, MeSH D009386, MONDO:0015356.
Cardiovascular phenotype. Identifiers: MedGen CN230736.

Submission:

Ambry Genetics
Classification: Uncertain significance for Cardiovascular phenotype; Hereditary cancer-predisposing syndrome. Last evaluated: 2023-04-07. Review status: criteria provided, single submitter. Criteria: Ambry Variant Classification Scheme 2023. Collection method: clinical testing. Allele origin: germline.
Comment: The p.L2757I variant (also known as c.8269C>A), located in coding exon 56 of the NF1 gene, results from a C to A substitution at nucleotide position 8269. The leucine at codon 2757 is replaced by isoleucine, an amino acid with highly similar properties. This amino acid position is conserved. In addition, this alteration is predicted to be tolerated by in silico analysis. Since supporting evidence is limited at this time, the clinical significance of this alteration remains unclear.

NM_001042492.3(NF1):c.8332C>A (p.Leu2778Ile)

Gene: NF1 (neurofibromin 1; plus strand). Cytogenetic location: 17q11.2.
Variant type: single nucleotide variant.
Coding change: c.8332C>A on transcript NM_001042492.3 (MANE Select); coding-DNA position 8332, C replaced by A.
Protein change: p.Leu2778Ile; replaces leucine 2778 with isoleucine.
Molecular consequence: missense variant.
Genome position (GRCh38, 1-based): chr17:31,360,658, C>A. VCF-style: chr17-31360658-C-A. GRCh37 (hg19) VCF-style: chr17-29687676-C-A.
Other names: c.8269C>A, p.Leu2757Ile (NM_000267.4); short protein forms L2757I, L2778I.
Identifiers: ClinVar variation 3237982 (VCV003237982.1), dbSNP rs2151588163.